The following is an entry in ClinVar:

ClinVar aggregate classification (germline): Uncertain significance (1 of 4 stars; one submission).

Conditions:
Early-infantile DEE. Also called: Ohtahara syndrome; Early infantile epileptic encephalopathy; Early infantile epileptic encephalopathy with suppression bursts. Identifiers: Orphanet 1934, MedGen C0393706, MONDO:0800491.

Submission:

Labcorp Genetics (formerly Invitae), Labcorp
Classification: Uncertain significance for Early-infantile DEE. Last evaluated: 2025-07-03. Review status: criteria provided, single submitter. Criteria: Invitae Variant Classification Sherloc (09022015). Collection method: clinical testing. Allele origin: germline.
Comment: This sequence change falls in intron 20 of the SCN1A gene. It does not directly change the encoded amino acid sequence of the SCN1A protein. However, this sequence change falls within a region encompassing a cryptic exon in the SCN1A gene, in which variants have been shown to alter splicing (PMID: 30526861, 34107977). This variant is not present in population databases (gnomAD no frequency). This variant has not been reported in the literature in individuals affected with SCN1A-related conditions. ClinVar contains an entry for this variant (Variation ID: 1973952). Algorithms developed to predict the effect of sequence changes on RNA splicing suggest that this variant is not likely to affect RNA splicing. In summary, the available evidence is currently insufficient to determine the role of this variant in disease. Therefore, it has been classified as a Variant of Uncertain Significance.

Literature cited by the submitters: PubMed 30526861; PubMed 34107977.

NM_001165963.4(SCN1A):c.4002+1997C>T

Genes: SCN1A (sodium voltage-gated channel alpha subunit 1; minus strand), LOC102724058 (uncharacterized LOC102724058; plus strand). Cytogenetic location: 2q24.3.
Variant type: single nucleotide variant.
Coding change: c.4002+1997C>T on transcript NM_001165963.4 (MANE Select); 1997 bases into the intron after coding-DNA position 4002, C replaced by T.
Molecular consequence: intron variant.
Genome position (GRCh38, 1-based): chr2:166,007,722, G>A on the plus strand (C>T on the coding strand, the complement: SCN1A is on the minus strand). VCF-style: chr2-166007722-G-A. GRCh37 (hg19) VCF-style: chr2-166864232-G-A.
Other names: c.3969+1997C>T (NM_001353949.2, NM_001353950.2, NM_001353951.2 and 2 more transcripts); c.3918+1997C>T (NM_001353958.2, NM_001353957.2, NM_001165964.3); c.4002+1997C>T (NM_001202435.3, NM_001353948.2); c.3966+1997C>T (NM_001353955.2, NM_001353954.2); c.3915+1997C>T (NM_001353960.2); c.1560+1997C>T (NM_001353961.2).
Identifiers: ClinVar variation 1973952 (VCV001973952.5), dbSNP rs2468475296, ClinGen allele CA2580064289.